The following is an entry in ClinVar:

ClinVar aggregate classification (germline): Uncertain significance. Review status: criteria provided, multiple submitters, no conflicts (2 of 4 stars). 2 submissions from 2 submitters: Uncertain significance (2). Last evaluated 2025-08-09.

Allele frequency attached by ClinVar (database versions not stated): gnomAD exomes below 0.00001 and 0.00001; gnomAD 0.00001; TOPMed 0.00002.
gnomAD v4.1: 7 of 1,611,942 alleles (0.00043%); highest among the groups gnomAD compares: African/African-American, 0.0067%; no homozygotes.

Submissions (2):

Ambry Genetics
Classification: Uncertain significance. Last evaluated: 2025-08-09. Review status: criteria provided, single submitter. Criteria: Ambry Variant Classification Scheme 2023. Collection method: clinical testing. Allele origin: germline.

Labcorp Genetics (formerly Invitae), Labcorp
Classification: Uncertain significance. Last evaluated: 2021-06-24. Review status: criteria provided, single submitter. Criteria: Invitae Variant Classification Sherloc (09022015). Collection method: clinical testing. Allele origin: germline.
Comment: This sequence change replaces aspartic acid with glycine at codon 284 of the GUF1 protein (p.Asp284Gly). The aspartic acid residue is moderately conserved and there is a moderate physicochemical difference between aspartic acid and glycine. This variant is not present in population databases (ExAC no frequency). This variant has not been reported in the literature in individuals with GUF1-related conditions. Algorithms developed to predict the effect of missense changes on protein structure and function (SIFT, PolyPhen-2, Align-GVGD) all suggest that this variant is likely to be tolerated, but these predictions have not been confirmed by published functional studies and their clinical significance is uncertain. Algorithms developed to predict the effect of sequence changes on RNA splicing suggest that this variant may create or strengthen a splice site, but this prediction has not been confirmed by published transcriptional studies. In summary, the available evidence is currently insufficient to determine the role of this variant in disease. Therefore, it has been classified as a Variant of Uncertain Significance.

NM_021927.3(GUF1):c.851A>G (p.Asp284Gly)

Gene: GUF1 (GTP binding elongation factor GUF1; plus strand). Cytogenetic location: 4p12.
Variant type: single nucleotide variant.
Coding change: c.851A>G on transcript NM_021927.3 (MANE Select); coding-DNA position 851, A replaced by G.
Protein change: p.Asp284Gly; replaces aspartic acid 284 with glycine.
Molecular consequence: missense variant. On other transcripts: 5 prime UTR variant (2).
Genome position (GRCh38, 1-based): chr4:44,686,626, A>G. VCF-style: chr4-44686626-A-G. GRCh37 (hg19) VCF-style: chr4-44688643-A-G.
Other names: c.851A>G (NM_021927.2); c.-122A>G (NM_001345867.2, NM_001345869.2); c.851A>G, p.Asp284Gly (NM_001345868.2); short protein forms D284G.
Identifiers: ClinVar variation 1473011 (VCV001473011.10), dbSNP rs1487914212, ClinGen allele CA356762470.
Genomic context (GRCh38, chr4:44,686,626, plus strand): 5'-ACCAGTATAGAGGTGTGATAGCCAATGTAGCATTATTTGACGGAGTGGTTTCCAAAGGAG[A>G]TAAAATTGTATCTGCACATACTCAAAAGACATACGAAGTTAATGAAGTAGGAGTCTTGAA-3'
Protein context (NP_068746.2, residues 274-294): ALFDGVVSKG[Asp284Gly]KIVSAHTQKT